The following is an entry in ClinVar:

NM_001165963.4(SCN1A):c.5435G>T (p.Trp1812Leu)

Genes: SCN1A (sodium voltage-gated channel alpha subunit 1; minus strand), LOC102724058 (uncharacterized LOC102724058; plus strand). Cytogenetic location: 2q24.3.
Variant type: single nucleotide variant.
Coding change: c.5435G>T on transcript NM_001165963.4 (MANE Select); coding-DNA position 5435, G replaced by T.
Protein change: p.Trp1812Leu; replaces tryptophan 1812 with leucine.
Molecular consequence: missense variant. On other transcripts: non-coding transcript variant (1).
Genome position (GRCh38, 1-based): chr2:165,991,840, C>A on the plus strand (G>T on the coding strand, the complement: SCN1A is on the minus strand). VCF-style: chr2-165991840-C-A. GRCh37 (hg19) VCF-style: chr2-166848350-C-A.
Other names: c.5351G>T, p.Trp1784Leu (NM_001165964.3, NM_001353957.2, NM_001353958.2); c.5435G>T, p.Trp1812Leu (NM_001202435.3, NM_001353948.2); c.5402G>T, p.Trp1801Leu (NM_001353949.2, NM_001353950.2, NM_001353951.2 and 2 more transcripts); c.5399G>T, p.Trp1800Leu (NM_001353954.2, NM_001353955.2); c.5348G>T, p.Trp1783Leu (NM_001353960.2); c.2993G>T, p.Trp998Leu (NM_001353961.2); short protein forms W1784L, W998L, W1800L, W1801L, W1783L, W1812L.
Identifiers: ClinVar variation 2864086 (VCV002864086.3), dbSNP rs796053040, ClinGen allele CA349067586.
Genomic context (GRCh38, chr2:165,991,840, plus strand): 5'-GCAAACTGAGATAATTTTTCAAATTCCATGAACTGAGTTGCATCGGGATCAAACTTCTCC[C>A]AAACCTCATAGAACATCTCAAAGTCATCCTCACTCAGAGGCTCTGCACTTTCTTCAGTAG-3'
Protein context (NP_001159435.1, residues 1802-1822): EDDFEMFYEV[Trp1812Leu]EKFDPDATQF

ClinVar aggregate classification (germline): Likely pathogenic (1 of 4 stars; one submission).

Conditions:
Early-infantile DEE. Also called: Ohtahara syndrome; Early infantile epileptic encephalopathy with suppression bursts; Early infantile epileptic encephalopathy. Identifiers: Orphanet 1934, MedGen C0393706, MONDO:0800491.

Submission:

Labcorp Genetics (formerly Invitae), Labcorp
Classification: Likely pathogenic for Early-infantile DEE. Last evaluated: 2023-05-13. Review status: criteria provided, single submitter. Criteria: Invitae Variant Classification Sherloc (09022015). Collection method: clinical testing. Allele origin: germline.
Comment: This sequence change replaces tryptophan, which is neutral and slightly polar, with leucine, which is neutral and non-polar, at codon 1812 of the SCN1A protein (p.Trp1812Leu). This variant is not present in population databases (gnomAD no frequency). This variant has not been reported in the literature in individuals affected with SCN1A-related conditions. Advanced modeling of protein sequence and biophysical properties (such as structural, functional, and spatial information, amino acid conservation, physicochemical variation, residue mobility, and thermodynamic stability) performed at Invitae indicates that this missense variant is expected to disrupt SCN1A protein function. This variant disrupts the p.Trp1812 amino acid residue in SCN1A. Other variant(s) that disrupt this residue have been observed in individuals with SCN1A-related conditions (PMID: 12566275, 18930999, 31001185, 32090326), which suggests that this may be a clinically significant amino acid residue. In summary, the currently available evidence indicates that the variant is pathogenic, but additional data are needed to prove that conclusively. Therefore, this variant has been classified as Likely Pathogenic.

Literature cited by the submitters: PubMed 12566275; PubMed 18930999; PubMed 31001185; PubMed 32090326.